The following is an entry in ClinVar:

NM_001330360.2(POLA1):c.691C>A (p.Arg231Ser)

Gene: POLA1 (DNA polymerase alpha 1, catalytic subunit; plus strand). Cytogenetic location: Xp22.11.
Variant type: single nucleotide variant.
Coding change: c.691C>A on transcript NM_001330360.2 (MANE Select); coding-DNA position 691, C replaced by A.
Protein change: p.Arg231Ser; replaces arginine 231 with serine.
Molecular consequence: missense variant. On other transcripts: non-coding transcript variant (2).
Genome position (GRCh38, 1-based): chrX:24,716,956, C>A. VCF-style: chrX-24716956-C-A. GRCh37 (hg19) VCF-style: chrX-24735073-C-A.
Other names: c.691C>A, p.Arg231Ser (NM_001378303.1); c.673C>A, p.Arg225Ser (NM_016937.4); short protein forms R231S, R225S.
Identifiers: ClinVar variation 2835483 (VCV002835483.3), dbSNP rs750378412, ClinGen allele CA412529356.

ClinVar aggregate classification (germline): Uncertain significance (1 of 4 stars; one submission).

Submission:

Labcorp Genetics (formerly Invitae), Labcorp
Classification: Uncertain significance. Last evaluated: 2023-04-10. Review status: criteria provided, single submitter. Criteria: Invitae Variant Classification Sherloc (09022015). Collection method: clinical testing. Allele origin: germline.
Comment: This sequence change replaces arginine, which is basic and polar, with serine, which is neutral and polar, at codon 225 of the POLA1 protein (p.Arg225Ser). This variant is not present in population databases (gnomAD no frequency). This variant has not been reported in the literature in individuals affected with POLA1-related conditions. An algorithm developed to predict the effect of missense changes on protein structure and function (PolyPhen-2) suggests that this variant is likely to be tolerated. In summary, the available evidence is currently insufficient to determine the role of this variant in disease. Therefore, it has been classified as a Variant of Uncertain Significance.